The following is an entry in ClinVar:

NM_025099.6(CTC1):c.1359C>T (p.Tyr453=)

Gene: CTC1 (CST telomere replication complex component 1; minus strand). Cytogenetic location: 17p13.1.
Variant type: single nucleotide variant.
Coding change: c.1359C>T on transcript NM_025099.6 (MANE Select); coding-DNA position 1359, C replaced by T.
Protein change: p.Tyr453=; no amino-acid change (tyrosine 453 retained).
Molecular consequence: synonymous variant. On other transcripts: non-coding transcript variant (1).
Genome position (GRCh38, 1-based): chr17:8,235,133, G>A on the plus strand (C>T on the coding strand, the complement: CTC1 is on the minus strand). VCF-style: chr17-8235133-G-A. GRCh37 (hg19) VCF-style: chr17-8138451-G-A.
Other names: c.1359C>T (NM_025099.5).
Identifiers: ClinVar variation 1142245 (VCV001142245.12), dbSNP rs371189165, ClinGen allele CA8372370.

ClinVar aggregate classification (germline): Likely benign. Review status: criteria provided, multiple submitters, no conflicts (2 of 4 stars). 3 submissions from 3 submitters: Likely benign (2). 1 of the submissions does not count toward it. Last evaluated 2025-11-17.

Conditions:
CTC1-related disorder. Also called: CTC1-related condition.
Dyskeratosis congenita. Identifiers: Orphanet 1775, MedGen C0265965, MONDO:0015780.

Allele frequency attached by ClinVar (database versions not stated): ExAC 0.00004; gnomAD 0.00004 and 0.00006; gnomAD exomes 0.00004 and 0.00006; ESP Exome Variant Server 0.00008.
gnomAD v4.1: 64 of 1,614,134 alleles (0.004%); highest among the groups gnomAD compares: Middle Eastern, 0.099%; no homozygotes.

Submissions (3):

Labcorp Genetics (formerly Invitae), Labcorp
Classification: Likely benign for Dyskeratosis congenita. Last evaluated: 2025-11-17. Review status: criteria provided, single submitter. Criteria: Invitae Variant Classification Sherloc (09022015). Collection method: clinical testing. Allele origin: germline.

Blueprint Genetics
Classification: Likely benign. Last evaluated: 2024-11-05. Review status: criteria provided, single submitter. Criteria: ACMG Guidelines, 2015. Collection method: clinical testing. Allele origin: germline.

PreventionGenetics, part of Exact Sciences
Classification: Likely benign for CTC1-related condition. Last evaluated: 2022-04-15. Review status: no assertion criteria provided. Collection method: clinical testing. Allele origin: germline. Not counted in ClinVar's aggregate classification.
Comment: This variant is classified as likely benign based on ACMG/AMP sequence variant interpretation guidelines (Richards et al. 2015 PMID: 25741868, with internal and published modifications).